The following is an entry in ClinVar:

NM_138694.4(PKHD1):c.1950G>A (p.Arg650=)

Gene: PKHD1 (PKHD1 ciliary IPT domain containing fibrocystin/polyductin; minus strand). Cytogenetic location: 6p12.2.
Variant type: single nucleotide variant.
Coding change: c.1950G>A on transcript NM_138694.4 (MANE Select); coding-DNA position 1950, G replaced by A.
Protein change: p.Arg650=; no amino-acid change (arginine 650 retained).
Molecular consequence: synonymous variant.
Genome position (GRCh38, 1-based): chr6:52,054,052, C>T on the plus strand (G>A on the coding strand, the complement: PKHD1 is on the minus strand). VCF-style: chr6-52054052-C-T. GRCh37 (hg19) VCF-style: chr6-51918850-C-T.
Other names: c.1950G>A, p.Arg650= (NM_170724.3).
Identifiers: ClinVar variation 262392 (VCV000262392.50), dbSNP rs143226202, ClinGen allele CA3853391.

ClinVar aggregate classification (germline): Benign/Likely benign. Review status: criteria provided, multiple submitters, no conflicts (2 of 4 stars). 9 submissions from 9 submitters: Benign (1); Likely benign (4). 4 of the submissions do not count toward it. Last evaluated 2026-09-01.

Conditions:
PKHD1-related disorder. Also called: PKHD1-related condition.
Autosomal recessive polycystic kidney disease (ARPKD). Also called: AR polycystic kidney disease. Identifiers: Orphanet 731, Orphanet 8378, MedGen C0085548, MeSH D017044, MONDO:0009889.

Allele frequency attached by ClinVar (database versions not stated): 1000 Genomes Project 30x 0.00094; 1000 Genomes Project 0.00100; TOPMed 0.00127; ESP Exome Variant Server 0.00169; gnomAD 0.00243 and 0.00257; gnomAD exomes 0.00284 and 0.00353; ExAC 0.00332.
gnomAD v4.1: 4,554 of 1,613,902 alleles (0.28%); highest among the groups gnomAD compares: South Asian, 0.3%; 28 homozygotes.

Submissions (9):

CeGaT Center for Human Genetics Tuebingen
Classification: Likely benign. Last evaluated: 2026-09-01. Review status: criteria provided, single submitter. Criteria: CeGaT Center For Human Genetics Tuebingen Variant Classification Criteria Version 2. Collection method: clinical testing. Allele origin: germline. Affected: yes. Observed: 5 variant alleles.
Comment: PKHD1: BP4, BP7

Labcorp Genetics (formerly Invitae), Labcorp
Classification: Benign for Autosomal recessive polycystic kidney disease. Last evaluated: 2026-02-04. Review status: criteria provided, single submitter. Criteria: Invitae Variant Classification Sherloc (09022015). Collection method: clinical testing. Allele origin: germline.

Blueprint Genetics
Classification: Likely benign. Last evaluated: 2024-11-21. Review status: criteria provided, single submitter. Criteria: ACMG Guidelines, 2015. Collection method: clinical testing. Allele origin: germline.

GeneDx
Classification: Likely benign. Last evaluated: 2020-10-26. Review status: criteria provided, single submitter. Criteria: GeneDx Variant Classification Process June 2021. Collection method: clinical testing. Allele origin: germline. Affected: yes.

Illumina Laboratory Services, Illumina
Classification: Likely benign for Polycystic kidney disease 4. Last evaluated: 2017-04-27. Review status: criteria provided, single submitter. Criteria: ICSL Variant Classification Criteria 13 December 2019. Collection method: clinical testing. Allele origin: germline.
Comment: This variant was observed as part of a predisposition screen in an ostensibly healthy population. A literature search was performed for the gene, cDNA change, and amino acid change (where applicable). Publications were found based on this search. The evidence from the literature, in combination with allele frequency data from public databases where available, was sufficient to determine this variant is unlikely to cause disease. Therefore, this variant is classified as likely benign.

PreventionGenetics, part of Exact Sciences
Classification: Benign for PKHD1-related condition. Last evaluated: 2020-02-28. Review status: no assertion criteria provided. Collection method: clinical testing. Allele origin: germline. Not counted in ClinVar's aggregate classification.
Comment: This variant is classified as benign based on ACMG/AMP sequence variant interpretation guidelines (Richards et al. 2015 PMID: 25741868, with internal and published modifications).

Natera, Inc.
Classification: Benign for Autosomal recessive polycystic kidney disease. Last evaluated: 2017-05-11. Review status: no assertion criteria provided. Collection method: clinical testing. Allele origin: germline. Not counted in ClinVar's aggregate classification.

Genome Diagnostics Laboratory, University Medical Center Utrecht
Classification: Likely benign. Review status: no assertion criteria provided. Collection method: clinical testing. Allele origin: germline. Affected: yes. Study: VKGL Data-share Consensus. Not counted in ClinVar's aggregate classification.

Laboratory of Diagnostic Genome Analysis, Leiden University Medical Center (LUMC)
Classification: Likely benign. Review status: no assertion criteria provided. Collection method: clinical testing. Allele origin: germline. Affected: yes. Study: VKGL Data-share Consensus. Not counted in ClinVar's aggregate classification.

Literature cited by the submitters: PubMed 15698423 (cited by Illumina Laboratory Services, Illumina); PubMed 26695994 (cited by Illumina Laboratory Services, Illumina).